The following is an entry in ClinVar:

ClinVar aggregate classification (germline): Uncertain significance. Review status: criteria provided, single submitter (1 of 4 stars). 2 submissions from 2 submitters: Uncertain significance (1). 1 of the submissions does not count toward it. Last evaluated 2024-08-31.

Conditions:
Developmental and epileptic encephalopathy, 62. Also called: Early infantile epileptic encephalopathy 62. Identifiers: MedGen C4693699, MONDO:0033371, OMIM 617938.

Allele frequency attached by ClinVar (database versions not stated): gnomAD 0.00001; gnomAD exomes 0.00001; TOPMed 0.00001.
gnomAD v4.1: 12 of 1,613,740 alleles (0.00074%); highest among the groups gnomAD compares: Non-Finnish European, 0.001%; no homozygotes.

Submissions (2):

Labcorp Genetics (formerly Invitae), Labcorp
Classification: Uncertain significance. Last evaluated: 2024-08-31. Review status: criteria provided, single submitter. Criteria: Invitae Variant Classification Sherloc (09022015). Collection method: clinical testing. Allele origin: germline.
Comment: This sequence change replaces glutamine, which is neutral and polar, with leucine, which is neutral and non-polar, at codon 557 of the SCN3A protein (p.Gln557Leu). This variant is not present in population databases (gnomAD no frequency). This variant has not been reported in the literature in individuals affected with SCN3A-related conditions. ClinVar contains an entry for this variant (Variation ID: 1038181). An algorithm developed to predict the effect of missense changes on protein structure and function (PolyPhen-2) suggests that this variant is likely to be tolerated. In summary, the available evidence is currently insufficient to determine the role of this variant in disease. Therefore, it has been classified as a Variant of Uncertain Significance.

Clinical Genetics Laboratory, University Hospital Schleswig-Holstein
Classification: Uncertain significance for Developmental and epileptic encephalopathy, 62. Last evaluated: 2022-07-01. Review status: no assertion criteria provided. Collection method: clinical testing. Allele origin: germline. Affected: yes. Not counted in ClinVar's aggregate classification.

NM_006922.4(SCN3A):c.1670A>T (p.Gln557Leu)

Gene: SCN3A (sodium voltage-gated channel alpha subunit 3; minus strand). Cytogenetic location: 2q24.3.
Variant type: single nucleotide variant.
Coding change: c.1670A>T on transcript NM_006922.4 (MANE Select); coding-DNA position 1670, A replaced by T.
Protein change: p.Gln557Leu; replaces glutamine 557 with leucine.
Molecular consequence: missense variant.
Genome position (GRCh38, 1-based): chr2:165,146,740, T>A on the plus strand (A>T on the coding strand, the complement: SCN3A is on the minus strand). VCF-style: chr2-165146740-T-A. GRCh37 (hg19) VCF-style: chr2-166003250-T-A.
Other names: c.1670A>T, p.Gln557Leu (NM_001081676.2, NM_001081677.2); short protein forms Q557L.
Identifiers: ClinVar variation 1038181 (VCV001038181.10), dbSNP rs1049507805, ClinGen allele CA60228703.
Genomic context (GRCh38, chr2:165,146,740, plus strand): 5'-AAAAACTAAAAAGCAATAGCAATGACAAAGAAACCAGAGCACTTAGTAGAAAATCATACC[T>A]GATGAGGGGAGCAGAATTTTTTGTCACTGGTCAGTCTGTTTCCATCCATGGAGAAAAGGA-3'
Protein context (NP_008853.3, residues 547-567): TSDKKFCSPH[Gln557Leu]SLLSIRGSLF